The following is an entry in ClinVar:

NM_001134793.2(HYLS1):c.724C>T (p.Arg242Ter)

Genes: HYLS1 (HYLS1 centriolar and ciliogenesis associated; plus strand), PUS3 (pseudouridine synthase 3; minus strand). Cytogenetic location: 11q24.2.
Variant type: single nucleotide variant.
Coding change: c.724C>T on transcript NM_001134793.2 (MANE Select); coding-DNA position 724, C replaced by T.
Protein change: p.Arg242Ter; replaces arginine 242 with a stop codon.
Molecular consequence: nonsense. On other transcripts: intron variant (7).
Genome position (GRCh38, 1-based): chr11:125,900,092, C>T. VCF-style: chr11-125900092-C-T. GRCh37 (hg19) VCF-style: chr11-125769987-C-T.
Other names: c.724C>T, p.Arg242Ter (NM_001377269.1, NM_001377270.1, NM_001424364.1 and 1 more transcripts); c.-247+3078G>A (NM_001271985.2); c.-47+3078G>A (NM_001441241.1, NM_001441239.1, NM_031307.4); c.-247+587G>A (NM_001441238.1); c.-47+587G>A (NM_001441240.1, NM_001441237.1); short protein forms R242*.
Identifiers: ClinVar variation 4816857 (VCV004816857.1).

ClinVar aggregate classification (germline): Likely pathogenic (1 of 4 stars; one submission).

Conditions:
Hydrolethalus syndrome. Identifiers: Orphanet 2189, MedGen C2931104, MONDO:0006037.

gnomAD v4.1: 26 of 1,614,102 alleles (0.0016%); highest among the groups gnomAD compares: Admixed American, 0.028%; no homozygotes.

Submission:

Natera, Inc.
Classification: Likely pathogenic for Hydrolethalus syndrome. Last evaluated: 2025-07-17. Review status: criteria provided, single submitter. Criteria: Natera Variant Classification Schema (03/2026). Collection method: clinical testing. Allele origin: germline.
Comment: The c.724C>T variant in HYLS1 is a nonsense variant predicted to introduce a stop codon at amino acid 242. This variant is expected to result in nonsense mediated decay, truncation, or a dysfunctional protein product. This variant is rare in the general population with a frequency below the threshold expected for the associated phenotype(s). Given the available evidence, this variant is classified as Likely Pathogenic.